The following is an entry in ClinVar:

NM_080425.4(GNAS):c.809C>T (p.Ala270Val)

Gene: GNAS (GNAS complex locus; plus strand). Cytogenetic location: 20q13.32.
Variant type: single nucleotide variant.
Coding change: c.809C>T on transcript NM_080425.4 (MANE Plus Clinical); coding-DNA position 809, C replaced by T.
Protein change: p.Ala270Val; replaces alanine 270 with valine.
Molecular consequence: missense variant. On other transcripts: nonsense (2), intron variant (3).
Genome position (GRCh38, 1-based): chr20:58,854,074, C>T. VCF-style: chr20-58854074-C-T. GRCh37 (hg19) VCF-style: chr20-57429129-C-T.
Other names: c.622C>T, p.Arg208Ter (NM_001077490.3, NM_001309883.1); c.809C>T, p.Ala270Val (NM_001410913.1); c.*42+13188C>T (NM_016592.5); c.43+13188C>T (NM_001410912.1); c.-39+12199C>T (NM_001309861.2); short protein forms A270V, R208*.
Identifiers: ClinVar variation 3361225 (VCV003361225.2).

ClinVar aggregate classification (germline): Uncertain significance (1 of 4 stars; one submission).

gnomAD v4.1: 2 of 1,611,918 alleles (0.00012%); highest among the groups gnomAD compares: Non-Finnish European, 0.00017%; no homozygotes.

Submission:

GeneDx
Classification: Uncertain significance. Last evaluated: 2025-09-23. Review status: criteria provided, single submitter. Criteria: GeneDx Variant Classification Process June 2021. Collection method: clinical testing. Allele origin: germline.
Comment: Not observed at significant frequency in large population cohorts (gnomAD); Deletion involving a gene for which loss of function is not a known mechanism of disease; Has not been previously published as pathogenic or benign to our knowledge; Reported using an alternate transcript of the gene